The following is an entry in ClinVar:

ClinVar aggregate classification (germline): Pathogenic (1 of 4 stars; one submission).

Conditions:
Wilson disease (WND). Also called: Wilson's disease. Identifiers: Orphanet 905, MedGen C0019202, MONDO:0010200, OMIM 277900. Disease mechanism: loss of function.

Submission:

Labcorp Genetics (formerly Invitae), Labcorp
Classification: Pathogenic for Wilson disease. Last evaluated: 2020-11-01. Review status: criteria provided, single submitter. Criteria: Invitae Variant Classification Sherloc (09022015). Collection method: clinical testing. Allele origin: germline.
Comment: This sequence change creates a premature translational stop signal (p.Gly367Alafs*2) in the ATP7B gene. It is expected to result in an absent or disrupted protein product. Loss-of-function variants in ATP7B are known to be pathogenic (PMID: 10441329, 16283883). This variant is not present in population databases (ExAC no frequency). This variant has not been reported in the literature in individuals with ATP7B-related conditions. For these reasons, this variant has been classified as Pathogenic.

Literature cited by the submitters: PubMed 10441329; PubMed 16283883.

NM_000053.4(ATP7B):c.1100del (p.Gly367fs)

Gene: ATP7B (ATPase copper transporting beta; minus strand). Cytogenetic location: 13q14.3.
Variant type: Deletion.
Coding change: c.1100del on transcript NM_000053.4 (MANE Select); coding-DNA position 1100, one base deleted (G; older notation c.1100delG).
Protein change: p.Gly367fs; shifts the reading frame from glycine 367.
Molecular consequence: frameshift variant. On other transcripts: intron variant (1).
Genome position (GRCh38, 1-based): chr13:51,974,120, C deleted on the plus strand (G on the coding strand, the reverse complement: ATP7B is on the minus strand); the first of 2 consecutive C bases (chr13:51,974,120-51,974,121); deleting either gives the same sequence. VCF-style (leftmost placement, unchanged base first): chr13-51974119-GC-G. GRCh37 (hg19) VCF-style: chr13-52548255-GC-G.
Other names: c.1100del, p.Gly367fs (NM_001005918.3, NM_001330578.2, NM_001330579.2); c.803-36del (NM_001243182.2); short protein forms G367fs.
Identifiers: ClinVar variation 1401931 (VCV001401931.6), dbSNP rs2140073872, ClinGen allele CA2573149668.